The following is an entry in ClinVar:

NM_057175.5(NAA15):c.1684A>G (p.Ile562Val)

Gene: NAA15 (N-alpha-acetyltransferase 15, NatA auxiliary subunit; plus strand). Cytogenetic location: 4q31.1.
Variant type: single nucleotide variant.
Coding change: c.1684A>G on transcript NM_057175.5 (MANE Select); coding-DNA position 1684, A replaced by G.
Protein change: p.Ile562Val; replaces isoleucine 562 with valine.
Molecular consequence: missense variant.
Genome position (GRCh38, 1-based): chr4:139,361,868, A>G. VCF-style: chr4-139361868-A-G. GRCh37 (hg19) VCF-style: chr4-140283022-A-G.
Other names: c.1684A>G, p.Ile562Val (NM_001410842.1); c.*93A>G (NM_025085.2); short protein forms I562V.
Identifiers: ClinVar variation 2863312 (VCV002863312.3), dbSNP rs777593327, ClinGen allele CA3083678.

ClinVar aggregate classification (germline): Conflicting classifications of pathogenicity. Review status: criteria provided, conflicting classifications (1 of 4 stars). 2 submissions from 2 submitters: Uncertain significance (1); Likely benign (1). Last evaluated 2026-08-01.

Allele frequency attached by ClinVar (database versions not stated): ExAC 0.00004.
gnomAD v4.1: 13 of 1,613,804 alleles (0.00081%); highest among the groups gnomAD compares: Admixed American, 0.0083%; no homozygotes.

Submissions (2):

CeGaT Center for Human Genetics Tuebingen
Classification: Likely benign. Last evaluated: 2026-08-01. Review status: criteria provided, single submitter. Criteria: CeGaT Center For Human Genetics Tuebingen Variant Classification Criteria Version 2. Collection method: clinical testing. Allele origin: germline. Affected: yes. Observed: 1 variant allele.
Comment: NAA15: BS2

Labcorp Genetics (formerly Invitae), Labcorp
Classification: Uncertain significance. Last evaluated: 2023-03-10. Review status: criteria provided, single submitter. Criteria: Invitae Variant Classification Sherloc (09022015). Collection method: clinical testing. Allele origin: germline.
Comment: In summary, the available evidence is currently insufficient to determine the role of this variant in disease. Therefore, it has been classified as a Variant of Uncertain Significance. An algorithm developed to predict the effect of missense changes on protein structure and function (PolyPhen-2) suggests that this variant¬¨‚Ä† is likely to be tolerated. This variant has not been reported in the literature in individuals affected with NAA15-related conditions. This variant is present in population databases (rs777593327, gnomAD 0.01%). This sequence change replaces isoleucine, which is neutral and non-polar, with valine, which is neutral and non-polar, at codon 562 of the NAA15 protein (p.Ile562Val).